The following is an entry in ClinVar:

NM_006796.3(AFG3L2):c.1187C>T (p.Ala396Val)

Gene: AFG3L2 (AFG3 like matrix AAA peptidase subunit 2; minus strand). Cytogenetic location: 18p11.21.
Variant type: single nucleotide variant.
Coding change: c.1187C>T on transcript NM_006796.3 (MANE Select); coding-DNA position 1187, C replaced by T.
Protein change: p.Ala396Val; replaces alanine 396 with valine.
Molecular consequence: missense variant.
Genome position (GRCh38, 1-based): chr18:12,353,136, G>A on the plus strand (C>T on the coding strand, the complement: AFG3L2 is on the minus strand). VCF-style: chr18-12353136-G-A. GRCh37 (hg19) VCF-style: chr18-12353135-G-A.
Other names: short protein forms A396V.
Identifiers: ClinVar variation 3257364 (VCV003257364.17).

ClinVar aggregate classification (germline): Uncertain significance (1 of 4 stars; one submission).

Submission:

CeGaT Center for Human Genetics Tuebingen
Classification: Uncertain significance. Last evaluated: 2024-07-01. Review status: criteria provided, single submitter. Criteria: CeGaT Center For Human Genetics Tuebingen Variant Classification Criteria Version 2. Collection method: clinical testing. Allele origin: germline. Affected: yes. Observed: 1 variant allele.
Comment: AFG3L2: PM2, PP3